The following is an entry in ClinVar:

ClinVar aggregate classification (germline): Uncertain significance. Review status: criteria provided, multiple submitters, no conflicts (2 of 4 stars). 4 submissions from 4 submitters: Uncertain significance (2). 2 of the submissions do not count toward it. Last evaluated 2023-10-17.

Conditions:
Brugada syndrome 8 (BRGDA8). Identifiers: Orphanet 130, MedGen C2751083, MONDO:0013148, OMIM 613123.

Allele frequency attached by ClinVar (database versions not stated): gnomAD 0.00001; gnomAD exomes 0.00001; TOPMed 0.00001.
gnomAD v4.1: 20 of 1,613,764 alleles (0.0012%); highest among the groups gnomAD compares: Non-Finnish European, 0.0016%; no homozygotes.

Submissions (4):

Labcorp Genetics (formerly Invitae), Labcorp
Classification: Uncertain significance for Brugada syndrome 8. Last evaluated: 2023-10-17. Review status: criteria provided, single submitter. Criteria: Invitae Variant Classification Sherloc (09022015). Collection method: clinical testing. Allele origin: germline.
Comment: This sequence change replaces arginine, which is basic and polar, with tryptophan, which is neutral and slightly polar, at codon 666 of the HCN4 protein (p.Arg666Trp). This variant is not present in population databases (gnomAD no frequency). This variant has not been reported in the literature in individuals affected with HCN4-related conditions. ClinVar contains an entry for this variant (Variation ID: 404124). Advanced modeling of protein sequence and biophysical properties (such as structural, functional, and spatial information, amino acid conservation, physicochemical variation, residue mobility, and thermodynamic stability) performed at Invitae indicates that this missense variant is not expected to disrupt HCN4 protein function. In summary, the available evidence is currently insufficient to determine the role of this variant in disease. Therefore, it has been classified as a Variant of Uncertain Significance.

GeneDx
Classification: Uncertain significance. Last evaluated: 2023-02-23. Review status: criteria provided, single submitter. Criteria: GeneDx Variant Classification Process June 2021. Collection method: clinical testing. Allele origin: germline. Affected: yes.
Comment: Reported in association with cardiomyopathy in published literature (Verhagen et al., 2018); Not observed at significant frequency in large population cohorts (gnomAD); In silico analysis supports that this missense variant has a deleterious effect on protein structure/function; This variant is associated with the following publications: (PMID: 36244448, 29988065)

Clinical Genetics, Academic Medical Center
Classification: Uncertain significance. Review status: no assertion criteria provided. Collection method: clinical testing. Allele origin: germline. Affected: yes. Study: VKGL Data-share Consensus. Not counted in ClinVar's aggregate classification.

Diagnostic Laboratory, Department of Genetics, University Medical Center Groningen
Classification: Uncertain significance. Review status: no assertion criteria provided. Collection method: clinical testing. Allele origin: germline. Affected: yes. Study: VKGL Data-share Consensus. Not counted in ClinVar's aggregate classification.

NM_005477.3(HCN4):c.1996C>T (p.Arg666Trp)

Gene: HCN4 (hyperpolarization activated cyclic nucleotide gated potassium channel 4; minus strand). Cytogenetic location: 15q24.1.
Variant type: single nucleotide variant.
Coding change: c.1996C>T on transcript NM_005477.3 (MANE Select); coding-DNA position 1996, C replaced by T.
Protein change: p.Arg666Trp; replaces arginine 666 with tryptophan.
Molecular consequence: missense variant.
Genome position (GRCh38, 1-based): chr15:73,324,236, G>A on the plus strand (C>T on the coding strand, the complement: HCN4 is on the minus strand). VCF-style: chr15-73324236-G-A. GRCh37 (hg19) VCF-style: chr15-73616577-G-A.
Other names: short protein forms R666W.
Identifiers: ClinVar variation 404124 (VCV000404124.8), dbSNP rs199943122, ClinGen allele CA16614728.